The following is an entry in ClinVar:

ClinVar aggregate classification (germline): Likely benign (1 of 4 stars; one submission).

Submission:

CeGaT Center for Human Genetics Tuebingen
Classification: Likely benign. Last evaluated: 2026-03-01. Review status: criteria provided, single submitter. Criteria: CeGaT Center For Human Genetics Tuebingen Variant Classification Criteria Version 2. Collection method: clinical testing. Allele origin: germline. Affected: yes. Observed: 1 variant allele.
Comment: H4C4: BP4, BP7

NM_003539.4(H4C4):c.108C>T (p.Arg36=)

Gene: H4C4 (H4 clustered histone 4; minus strand). Cytogenetic location: 6p22.2.
Variant type: single nucleotide variant.
Coding change: c.108C>T on transcript NM_003539.4 (MANE Select); coding-DNA position 108, C replaced by T.
Protein change: p.Arg36=; no amino-acid change (arginine 36 retained).
Molecular consequence: synonymous variant.
Genome position (GRCh38, 1-based): chr6:26,188,969, G>A on the plus strand (C>T on the coding strand, the complement: H4C4 is on the minus strand). VCF-style: chr6-26188969-G-A. GRCh37 (hg19) VCF-style: chr6-26189197-G-A.
Identifiers: ClinVar variation 4822753 (VCV004822753.4).
Genomic context (GRCh38, chr6:26,188,969, plus strand): 5'-GCGAGTTTCCTCATAAATGAGGCCAGAAATACGCTTGACGCCGCCGCGGCGAGCCAGGCG[G>A]CGGATAGCGGGCTTGGTGATTCCTTGGATATTGTCACGCAATACCTTACGGTGACGCTTG-3'
Protein context (NP_003530.1, residues 26-46): NIQGITKPAI[Arg36=]RLARRGGVKR